The following is an entry in ClinVar:

ClinVar aggregate classification (germline): Uncertain significance (1 of 4 stars; one submission).

Submission:

CeGaT Center for Human Genetics Tuebingen
Classification: Uncertain significance. Last evaluated: 2022-06-01. Review status: criteria provided, single submitter. Criteria: CeGaT Center For Human Genetics Tuebingen Variant Classification Criteria Version 2. Collection method: clinical testing. Allele origin: germline. Affected: yes. Observed: 1 variant allele.
Comment: PDHB: PM2, PP3

NM_000925.4(PDHB):c.407G>A (p.Gly136Asp)

Gene: PDHB (pyruvate dehydrogenase E1 subunit beta; minus strand). Cytogenetic location: 3p14.3.
Variant type: single nucleotide variant.
Coding change: c.407G>A on transcript NM_000925.4 (MANE Select); coding-DNA position 407, G replaced by A.
Protein change: p.Gly136Asp; replaces glycine 136 with aspartic acid.
Molecular consequence: missense variant. On other transcripts: non-coding transcript variant (1), intron variant (1).
Genome position (GRCh38, 1-based): chr3:58,430,839, C>T on the plus strand (G>A on the coding strand, the complement: PDHB is on the minus strand). VCF-style: chr3-58430839-C-T. GRCh37 (hg19) VCF-style: chr3-58416566-C-T.
Other names: c.353G>A, p.Gly118Asp (NM_001315536.2); c.403+4G>A (NM_001173468.2); short protein forms G118D, G136D.
Identifiers: ClinVar variation 2653920 (VCV002653920.24), dbSNP rs2471367892, ClinGen allele CA353362092.